The following is an entry in ClinVar:

ClinVar aggregate classification (germline): Likely pathogenic (1 of 4 stars; one submission).

Submission:

Dasa
Classification: Likely pathogenic. Last evaluated: 2025-11-20. Review status: criteria provided, single submitter. Criteria: DASA Assertion Criteria. Collection method: clinical testing. Allele origin: germline.
Comment: NM_207352.4(CYP4V2):c.1147_1155delinsGGATACCG (p.Cys383Glyfs*32) is a frameshift variant in CYP4V2 predicted to alter the reading frame and introduce a premature termination codon and is predicted to result in an absent or altered protein product. Loss of function is an established disease mechanism for CYP4V2-associated disorders. Also, this variant is absent from population databases. Based on the currently available evidence, this variant is classified as likely pathogenic.

NM_207352.4(CYP4V2):c.1147_1155delinsGGATACCG (p.Cys383fs)

Gene: CYP4V2 (cytochrome P450 family 4 subfamily V member 2; plus strand). Cytogenetic location: 4q35.2.
Variant type: Indel.
Coding change: c.1147_1155delinsGGATACCG on transcript NM_207352.4 (MANE Select); coding-DNA positions 1147 to 1155, TGTGTTATT replaced by GGATACCG.
Protein change: p.Cys383fs; shifts the reading frame from cysteine 383.
Molecular consequence: frameshift variant.
Genome position (GRCh38, 1-based): chr4:186,208,921-186,208,929, TGTGTTATT replaced by GGATACCG. VCF-style: chr4-186208921-TGTGTTATT-GGATACCG. GRCh37 (hg19) VCF-style: chr4-187130075-TGTGTTATT-GGATACCG.
Other names: short protein forms C383fs.
Identifiers: ClinVar variation 4852658 (VCV004852658.2).